The following is an entry in ClinVar:

ClinVar aggregate classification (germline): Uncertain significance. Review status: criteria provided, single submitter (1 of 4 stars). 2 submissions from 2 submitters: Uncertain significance (1). 1 of the submissions does not count toward it. Last evaluated 2023-08-19.

Conditions:
Adenine phosphoribosyltransferase deficiency (APRTD). Also called: APRT DEFICIENCY; NEPHROLITHIASIS, DHA; Urolithiasis, dha; 2,8-dihydroxyadenine urolithiasis. Identifiers: Orphanet 976, MedGen C0268120, MONDO:0013869, OMIM 614723.

Allele frequency attached by ClinVar (database versions not stated): gnomAD exomes 0.00001 and 0.00010; ExAC 0.00002; gnomAD 0.00003 and 0.00004; TOPMed 0.00006; ESP Exome Variant Server 0.00008.
gnomAD v4.1: 143 of 1,613,162 alleles (0.0089%); highest among the groups gnomAD compares: Non-Finnish European, 0.012%; no homozygotes.

Submissions (2):

Labcorp Genetics (formerly Invitae), Labcorp
Classification: Uncertain significance. Last evaluated: 2023-08-19. Review status: criteria provided, single submitter. Criteria: Invitae Variant Classification Sherloc (09022015). Collection method: clinical testing. Allele origin: germline.
Comment: In summary, the available evidence is currently insufficient to determine the role of this variant in disease. Therefore, it has been classified as a Variant of Uncertain Significance. An algorithm developed to predict the effect of missense changes on protein structure and function (PolyPhen-2) suggests that this variant¬†is likely to be tolerated. ClinVar contains an entry for this variant (Variation ID: 988056). This missense change has been observed in individual(s) with adenine phosphoribosyltransferase deficiency (Ceballos-Picot. 2014. J Nephrol Ther doi:10.4172/2161-0959.1000173). This variant is present in population databases (rs370665100, gnomAD 0.004%). This sequence change replaces glutamic acid, which is acidic and polar, with glutamine, which is neutral and polar, at codon 118 of the APRT protein (p.Glu118Gln).

APRT Deficiency Research Program of the Rare Kidney Stone Consortium, Landspitali, National University Hospital of Iceland
Classification: Pathogenic for Adenine phosphoribosyltransferase deficiency. Last evaluated: 2020-09-01. Review status: no assertion criteria provided. Collection method: literature only. Allele origin: germline. Affected: yes. Not counted in ClinVar's aggregate classification.

NM_000485.3(APRT):c.352G>C (p.Glu118Gln)

Gene: APRT (adenine phosphoribosyltransferase; minus strand). Cytogenetic location: 16q24.3.
Variant type: single nucleotide variant.
Coding change: c.352G>C on transcript NM_000485.3 (MANE Select); coding-DNA position 352, G replaced by C.
Protein change: p.Glu118Gln; replaces glutamic acid 118 with glutamine.
Molecular consequence: missense variant.
Genome position (GRCh38, 1-based): chr16:88,810,118, C>G on the plus strand (G>C on the coding strand, the complement: APRT is on the minus strand). VCF-style: chr16-88810118-C-G. GRCh37 (hg19) VCF-style: chr16-88876526-C-G.
Other names: c.352G>C, p.Glu118Gln (NM_001030018.2); short protein forms E118Q.
Identifiers: ClinVar variation 988056 (VCV000988056.2), dbSNP rs370665100, ClinGen allele CA8234444.